The following is an entry in ClinVar:

ClinVar aggregate classification (germline): Likely benign (1 of 4 stars; one submission).

Allele frequency attached by ClinVar (database versions not stated): TOPMed below 0.00001.

Submission:

GeneDx
Classification: Likely benign. Last evaluated: 2016-09-19. Review status: criteria provided, single submitter. Criteria: GeneDx Variant Classification (06012015). Collection method: clinical testing. Allele origin: germline. Affected: yes.
Comment: This variant is considered likely benign or benign based on one or more of the following criteria: it is a conservative change, it occurs at a poorly conserved position in the protein, it is predicted to be benign by multiple in silico algorithms, and/or has population frequency not consistent with disease.

NM_001037.5(SCN1B):c.*23A>G

Gene: SCN1B (sodium voltage-gated channel beta subunit 1; plus strand). Cytogenetic location: 19q13.11.
Variant type: single nucleotide variant.
Coding change: c.*23A>G on transcript NM_001037.5 (MANE Select); 23 bases downstream of the stop codon, A replaced by G.
Molecular consequence: 3 prime UTR variant.
Genome position (GRCh38, 1-based): chr19:35,039,814, A>G. VCF-style: chr19-35039814-A-G. GRCh37 (hg19) VCF-style: chr19-35530718-A-G.
Other names: c.*23A>G (NM_001321605.2).
Identifiers: ClinVar variation 389375 (VCV000389375.1), dbSNP rs868601122, ClinGen allele CA16608120.